The following is an entry in ClinVar:

ClinVar aggregate classification (germline): Uncertain significance (1 of 4 stars; one submission).

Conditions:
Hereditary cancer-predisposing syndrome. Also called: Hereditary neoplastic syndrome; Neoplastic Syndromes, Hereditary; Tumor predisposition; Hereditary Cancer Syndrome. Identifiers: Orphanet 140162, MedGen C0027672, MeSH D009386, MONDO:0015356.

Submission:

Ambry Genetics
Classification: Uncertain significance for Hereditary cancer-predisposing syndrome. Last evaluated: 2025-01-25. Review status: criteria provided, single submitter. Criteria: Ambry Variant Classification Scheme 2023. Collection method: clinical testing. Allele origin: germline.
Comment: The p.K538N variant (also known as c.1614G>C), located in coding exon 13 of the EGFR gene, results from a G to C substitution at nucleotide position 1614. The lysine at codon 538 is replaced by asparagine, an amino acid with similar properties. This amino acid position is conserved. In addition, this alteration is predicted to be tolerated by in silico analysis. Based on the available evidence, the clinical significance of this variant remains unclear.

NM_005228.5(EGFR):c.1614G>C (p.Lys538Asn)

Gene: EGFR (epidermal growth factor receptor; plus strand). Cytogenetic location: 7p11.2.
Variant type: single nucleotide variant.
Coding change: c.1614G>C on transcript NM_005228.5 (MANE Select); coding-DNA position 1614, G replaced by C.
Protein change: p.Lys538Asn; replaces lysine 538 with asparagine.
Molecular consequence: missense variant.
Genome position (GRCh38, 1-based): chr7:55,161,614, G>C. VCF-style: chr7-55161614-G-C. GRCh37 (hg19) VCF-style: chr7-55229307-G-C.
Other names: c.1479G>C, p.Lys493Asn (NM_001346897.2, NM_001346899.2); c.1614G>C, p.Lys538Asn (NM_001346898.2, NM_201282.2, NM_201284.2); c.1455G>C, p.Lys485Asn (NM_001346900.2); c.813G>C, p.Lys271Asn (NM_001346941.2); short protein forms K493N, K271N, K538N, K485N.
Identifiers: ClinVar variation 3843814 (VCV003843814.1).
Genomic context (GRCh38, chr7:55,161,614, plus strand): 5'-GGAGCCCAGGGACTGCGTCTCTTGCCGGAATGTCAGCCGAGGCAGGGAATGCGTGGACAA[G>C]TGCAACCTTCTGGAGGGGTAGGAGGTTATTTCTTTAATCCCCTTGCGTTGATCAAAAATA-3'
Protein context (NP_005219.2, residues 528-548): NVSRGRECVD[Lys538Asn]CNLLEGEPRE